The following is an entry in ClinVar:

ClinVar aggregate classification (germline): Uncertain significance. Review status: criteria provided, multiple submitters, no conflicts (2 of 4 stars). 3 submissions from 3 submitters: Uncertain significance (3). Last evaluated 2025-06-22.

Conditions:
Hereditary spastic paraplegia 48. Also called: SPASTIC PARAPLEGIA 48, AUTOSOMAL RECESSIVE; Spastic paraplegia 48. Identifiers: Orphanet 306511, MedGen C3150901, MONDO:0013342, OMIM 613647.

Allele frequency attached by ClinVar (database versions not stated): ExAC 0.00001; gnomAD 0.00001; gnomAD exomes 0.00001 and 0.00002; TOPMed 0.00002.

Submissions (3):

Labcorp Genetics (formerly Invitae), Labcorp
Classification: Uncertain significance for Hereditary spastic paraplegia 48. Last evaluated: 2025-06-22. Review status: criteria provided, single submitter. Criteria: Invitae Variant Classification Sherloc (09022015). Collection method: clinical testing. Allele origin: germline.
Comment: This sequence change replaces valine, which is neutral and non-polar, with leucine, which is neutral and non-polar, at codon 697 of the AP5Z1 protein (p.Val697Leu). This variant is present in population databases (rs769732363, gnomAD 0.02%). This variant has not been reported in the literature in individuals affected with AP5Z1-related conditions. ClinVar contains an entry for this variant (Variation ID: 909109). Invitae Evidence Modeling of protein sequence and biophysical properties (such as structural, functional, and spatial information, amino acid conservation, physicochemical variation, residue mobility, and thermodynamic stability) indicates that this missense variant is not expected to disrupt AP5Z1 protein function with a negative predictive value of 80%. In summary, the available evidence is currently insufficient to determine the role of this variant in disease. Therefore, it has been classified as a Variant of Uncertain Significance.

GeneDx
Classification: Uncertain significance. Last evaluated: 2023-01-30. Review status: criteria provided, single submitter. Criteria: GeneDx Variant Classification Process June 2021. Collection method: clinical testing. Allele origin: germline. Affected: yes.
Comment: Not observed at significant frequency in large population cohorts (gnomAD); In silico analysis supports that this missense variant does not alter protein structure/function; Has not been previously published as pathogenic or benign to our knowledge

Illumina Laboratory Services, Illumina
Classification: Uncertain significance for Hereditary spastic paraplegia 48. Last evaluated: 2018-01-13. Review status: criteria provided, single submitter. Criteria: ICSL Variant Classification Criteria 13 December 2019. Collection method: clinical testing. Allele origin: germline.

NM_014855.3(AP5Z1):c.2089G>T (p.Val697Leu)

Gene: AP5Z1 (adaptor related protein complex 5 subunit zeta 1; plus strand). Cytogenetic location: 7p22.1.
Variant type: single nucleotide variant.
Coding change: c.2089G>T on transcript NM_014855.3 (MANE Select); coding-DNA position 2089, G replaced by T.
Protein change: p.Val697Leu; replaces valine 697 with leucine.
Molecular consequence: missense variant. On other transcripts: non-coding transcript variant (1).
Genome position (GRCh38, 1-based): chr7:4,790,823, G>T. VCF-style: chr7-4790823-G-T. GRCh37 (hg19) VCF-style: chr7-4830454-G-T.
Other names: c.1621G>T, p.Val541Leu (NM_001364858.1); short protein forms V697L, V541L.
Identifiers: ClinVar variation 909109 (VCV000909109.7), dbSNP rs769732363, ClinGen allele CA4138295.
Genomic context (GRCh38, chr7:4,790,823, plus strand): 5'-CTGCTATTCGAGGTCACCCAGTGCCGCCCCTCTGCTGCCCTGCCCAGGTGTCCCCCCCAG[G>T]TGGTCACCGTGCTGATGACCACGCTGACGAAGCTGGCCTCCCGGAGCCAAGATCTGATCC-3'
Protein context (NP_055670.1, residues 687-707): SAALPRCPPQ[Val697Leu]VTVLMTTLTK